The following is an entry in ClinVar:

NM_004304.5(ALK):c.248G>T (p.Gly83Val)

Gene: ALK (ALK receptor tyrosine kinase; minus strand). Cytogenetic location: 2p23.1.
Variant type: single nucleotide variant.
Coding change: c.248G>T on transcript NM_004304.5 (MANE Select); coding-DNA position 248, G replaced by T.
Protein change: p.Gly83Val; replaces glycine 83 with valine.
Molecular consequence: missense variant.
Genome position (GRCh38, 1-based): chr2:29,920,412, C>A on the plus strand (G>T on the coding strand, the complement: ALK is on the minus strand). VCF-style: chr2-29920412-C-A. GRCh37 (hg19) VCF-style: chr2-30143278-C-A.
Other names: short protein forms G83V.
Identifiers: ClinVar variation 574147 (VCV000574147.16), dbSNP rs769440812, ClinGen allele CA1595019.

ClinVar aggregate classification (germline): Uncertain significance. Review status: criteria provided, multiple submitters, no conflicts (2 of 4 stars). 3 submissions from 3 submitters: Uncertain significance (3). Last evaluated 2026-01-30.

Conditions:
Neuroblastoma, susceptibility to, 3. Also called: ALK-Related Neuroblastic Tumor Susceptibility. Identifiers: Orphanet 635, MedGen C2751681, MONDO:0013083, OMIM 613014.
Hereditary cancer-predisposing syndrome. Also called: Hereditary neoplastic syndrome; Neoplastic Syndromes, Hereditary; Hereditary Cancer Syndrome; Tumor predisposition. Identifiers: Orphanet 140162, MedGen C0027672, MeSH D009386, MONDO:0015356.

Allele frequency attached by ClinVar (database versions not stated): gnomAD exomes below 0.00001 and 0.00001; gnomAD 0.00001; TOPMed 0.00001; ExAC 0.00003.
gnomAD v4.1: 10 of 1,590,576 alleles (0.00063%); highest among the groups gnomAD compares: Non-Finnish European, 0.00077%; no homozygotes.

Submissions (3):

Labcorp Genetics (formerly Invitae), Labcorp
Classification: Uncertain significance for Neuroblastoma, susceptibility to, 3. Last evaluated: 2026-01-30. Review status: criteria provided, single submitter. Criteria: Invitae Variant Classification Sherloc (09022015). Collection method: clinical testing. Allele origin: germline.
Comment: This sequence change replaces glycine, which is neutral and non-polar, with valine, which is neutral and non-polar, at codon 83 of the ALK protein (p.Gly83Val). The frequency data for this variant in the population databases is considered unreliable, as metrics indicate poor data quality at this position in the gnomAD database. This variant has not been reported in the literature in individuals affected with ALK-related conditions. ClinVar contains an entry for this variant (Variation ID: 574147). An algorithm developed to predict the effect of missense changes on protein structure and function (PolyPhen-2) suggests that this variant is likely to be tolerated. In summary, the available evidence is currently insufficient to determine the role of this variant in disease. Therefore, it has been classified as a Variant of Uncertain Significance.

Ambry Genetics
Classification: Uncertain significance for Hereditary cancer-predisposing syndrome. Last evaluated: 2024-08-26. Review status: criteria provided, single submitter. Criteria: Ambry Variant Classification Scheme 2023. Collection method: clinical testing. Allele origin: germline.
Comment: The p.G83V variant (also known as c.248G>T), located in coding exon 1 of the ALK gene, results from a G to T substitution at nucleotide position 248. The glycine at codon 83 is replaced by valine, an amino acid with dissimilar properties. This amino acid position is conserved. In addition, this alteration is predicted to be tolerated by in silico analysis. Since supporting evidence is limited at this time, the clinical significance of this alteration remains unclear.

Baylor Genetics
Classification: Uncertain significance for Neuroblastoma, susceptibility to, 3. Last evaluated: 2024-03-22. Review status: criteria provided, single submitter. Criteria: ACMG Guidelines, 2015. Collection method: clinical testing. Allele origin: unknown.